The following is an entry in ClinVar:

NM_000719.7(CACNA1C):c.6236A>G (p.Asp2079Gly)

Genes: CACNA1C (calcium voltage-gated channel subunit alpha1 C; plus strand), CACNA1C-AS1 (CACNA1C antisense RNA 1; minus strand). Cytogenetic location: 12p13.33.
Variant type: single nucleotide variant.
Coding change: c.6236A>G on transcript NM_000719.7 (MANE Select); coding-DNA position 6236, A replaced by G.
Protein change: p.Asp2079Gly; replaces aspartic acid 2079 with glycine.
Molecular consequence: missense variant.
Genome position (GRCh38, 1-based): chr12:2,691,018, A>G. VCF-style: chr12-2691018-A-G. GRCh37 (hg19) VCF-style: chr12-2800184-A-G.
Other names: c.6380A>G, p.Asp2127Gly (NM_001129827.2); c.6359A>G, p.Asp2120Gly (NM_001129829.2); c.6341A>G, p.Asp2114Gly (NM_001129830.3, NM_001167624.3); c.6320A>G, p.Asp2107Gly (NM_001129831.2); c.6296A>G, p.Asp2099Gly (NM_001129832.2); c.6293A>G, p.Asp2098Gly (NM_001129833.2, NM_001129834.2, NM_001129835.2); c.6287A>G, p.Asp2096Gly (NM_001129836.2); c.6260A>G, p.Asp2087Gly (NM_001129837.2, NM_001129838.2); and 6 more; short protein forms D2068G, D2087G, D2127G, D2079G, D2139G, D2096G, D2098G, D2099G.
Identifiers: ClinVar variation 2756847 (VCV002756847.3), dbSNP rs2535495945, ClinGen allele CA383386543.

ClinVar aggregate classification (germline): Uncertain significance (1 of 4 stars; one submission).

Conditions:
Long QT syndrome (LQTS). Identifiers: MedGen C0023976, MeSH D008133, MONDO:0002442. Disease mechanism: loss of function. Inheritance: Various modes of inheritance.

Submission:

Labcorp Genetics (formerly Invitae), Labcorp
Classification: Uncertain significance for Long QT syndrome. Last evaluated: 2023-06-02. Review status: criteria provided, single submitter. Criteria: Invitae Variant Classification Sherloc (09022015). Collection method: clinical testing. Allele origin: germline.
Comment: Advanced modeling of protein sequence and biophysical properties (such as structural, functional, and spatial information, amino acid conservation, physicochemical variation, residue mobility, and thermodynamic stability) performed at Invitae indicates that this missense variant is not expected to disrupt CACNA1C protein function. In summary, the available evidence is currently insufficient to determine the role of this variant in disease. Therefore, it has been classified as a Variant of Uncertain Significance. This variant has not been reported in the literature in individuals affected with CACNA1C-related conditions. This variant is not present in population databases (gnomAD no frequency). This sequence change replaces aspartic acid, which is acidic and polar, with glycine, which is neutral and non-polar, at codon 2079 of the CACNA1C protein (p.Asp2079Gly).